The following is an entry in ClinVar:

NM_017636.4(TRPM4):c.2007G>A (p.Gln669=)

Gene: TRPM4 (transient receptor potential cation channel subfamily M member 4; plus strand). Cytogenetic location: 19q13.33.
Variant type: single nucleotide variant.
Coding change: c.2007G>A on transcript NM_017636.4 (MANE Select); coding-DNA position 2007, G replaced by A.
Protein change: p.Gln669=; no amino-acid change (glutamine 669 retained).
Molecular consequence: synonymous variant.
Genome position (GRCh38, 1-based): chr19:49,189,079, G>A. VCF-style: chr19-49189079-G-A. GRCh37 (hg19) VCF-style: chr19-49692336-G-A.
Other names: c.2007G>A, p.Gln669= (NM_001195227.2); c.1662G>A, p.Gln554= (NM_001321281.2); c.399G>A, p.Gln133= (NM_001321282.2); c.1485G>A, p.Gln495= (NM_001321283.2); c.945G>A, p.Gln315= (NM_001321285.2); c.2007G>A (NM_017636.3).
Identifiers: ClinVar variation 2726722 (VCV002726722.4), dbSNP rs1968311887, ClinGen allele CA508282962.

ClinVar aggregate classification (germline): Conflicting classifications of pathogenicity. Review status: criteria provided, conflicting classifications (1 of 4 stars). 2 submissions from 2 submitters: Uncertain significance (1); Likely benign (1). Last evaluated 2026-01-10.

Conditions:
Cardiovascular phenotype. Identifiers: MedGen CN230736.
Progressive familial heart block type IB (PFHB1B). Identifiers: Orphanet 871, MedGen C1970298, MONDO:0011474, OMIM 604559.

Allele frequency attached by ClinVar (database versions not stated): gnomAD 0.00001.
gnomAD v4.1: 1 of 1,614,070 alleles (0.000062%); highest among the groups gnomAD compares: Non-Finnish European, 0.000085%; no homozygotes.

Submissions (2):

Ambry Genetics
Classification: Likely benign for Cardiovascular phenotype. Last evaluated: 2026-01-10. Review status: criteria provided, single submitter. Criteria: Ambry Variant Classification Scheme 2023. Collection method: clinical testing. Allele origin: germline.

Labcorp Genetics (formerly Invitae), Labcorp
Classification: Uncertain significance for Progressive familial heart block type IB. Last evaluated: 2023-08-21. Review status: criteria provided, single submitter. Criteria: Invitae Variant Classification Sherloc (09022015). Collection method: clinical testing. Allele origin: germline.
Comment: Algorithms developed to predict the effect of sequence changes on RNA splicing suggest that this variant may disrupt the consensus splice site. This sequence change affects codon 669 of the TRPM4 mRNA. It is a 'silent' change, meaning that it does not change the encoded amino acid sequence of the TRPM4 protein. This variant is not present in population databases (gnomAD no frequency). This variant has not been reported in the literature in individuals affected with TRPM4-related conditions. In summary, the available evidence is currently insufficient to determine the role of this variant in disease. Therefore, it has been classified as a Variant of Uncertain Significance.